The following is an entry in ClinVar:

NM_002017.5(FLI1):c.355A>C (p.Thr119Pro)

Gene: FLI1 (Fli-1 proto-oncogene, ETS transcription factor; plus strand). Cytogenetic location: 11q24.3.
Variant type: single nucleotide variant.
Coding change: c.355A>C on transcript NM_002017.5 (MANE Select); coding-DNA position 355, A replaced by C.
Protein change: p.Thr119Pro; replaces threonine 119 with proline.
Molecular consequence: missense variant. On other transcripts: intron variant (1).
Genome position (GRCh38, 1-based): chr11:128,768,242, A>C. VCF-style: chr11-128768242-A-C. GRCh37 (hg19) VCF-style: chr11-128638137-A-C.
Other names: c.256A>C, p.Thr86Pro (NM_001167681.3, NM_001440369.1, NM_001440370.1 and 1 more transcripts); c.157A>C, p.Thr53Pro (NM_001271010.2); c.355A>C, p.Thr119Pro (NM_001440372.1); c.10+9916A>C (NM_001271012.2); short protein forms T119P, T53P, T86P.
Identifiers: ClinVar variation 4537809 (VCV004537809.1).

ClinVar aggregate classification (germline): Uncertain significance (1 of 4 stars; one submission).

Submission:

GeneDx
Classification: Uncertain significance. Last evaluated: 2025-06-13. Review status: criteria provided, single submitter. Criteria: GeneDx Variant Classification Process June 2021. Collection method: clinical testing. Allele origin: germline. Affected: yes.
Comment: Not observed at significant frequency in large population cohorts (gnomAD); In silico analysis supports that this missense variant has a deleterious effect on protein structure/function; Has not been previously published as pathogenic or benign to our knowledge